The following is an entry in ClinVar:

NM_001042492.3(NF1):c.1869C>G (p.His623Gln)

Gene: NF1 (neurofibromin 1; plus strand). Cytogenetic location: 17q11.2.
Variant type: single nucleotide variant.
Coding change: c.1869C>G on transcript NM_001042492.3 (MANE Select); coding-DNA position 1869, C replaced by G.
Protein change: p.His623Gln; replaces histidine 623 with glutamine.
Molecular consequence: missense variant.
Genome position (GRCh38, 1-based): chr17:31,225,118, C>G. VCF-style: chr17-31225118-C-G. GRCh37 (hg19) VCF-style: chr17-29552136-C-G.
Other names: c.1869C>G, p.His623Gln (NM_000267.4); short protein forms H623Q.
Identifiers: ClinVar variation 1392515 (VCV001392515.8), dbSNP rs1555613556, ClinGen allele CA399005110.
Genomic context (GRCh38, chr17:31,225,118, plus strand): 5'-GTGCTTCAGTAAAGCTTATTTATTTATTTTTTTCTAGCAGGCAGATAGAAGTTCCTGTCA[C>G]TTTCTCCTTTTTTACGGGGTAGGATGTGATATTCCTTCTAGTGGAAATACCAGTCAAATG-3'
Protein context (NP_001035957.1, residues 613-633): KNKQADRSSC[His623Gln]FLLFYGVGCD

ClinVar aggregate classification (germline): Uncertain significance (1 of 4 stars; one submission).

Conditions:
Neurofibromatosis, type 1 (NF1). Also called: VON RECKLINGHAUSEN DISEASE; Neurofibromatosis, type I; NEUROFIBROMATOSIS, TYPE I, SOMATIC; Peripheral type neurofibromatosis. Identifiers: Orphanet 636, MedGen C0027831, MONDO:0018975, OMIM 162200. Disease mechanism: loss of function.

Allele frequency attached by ClinVar (database versions not stated): gnomAD exomes below 0.00001.
gnomAD v4.1: 2 of 1,613,610 alleles (0.00012%); highest among the groups gnomAD compares: Non-Finnish European, 0.00017%; no homozygotes.

Submission:

Labcorp Genetics (formerly Invitae), Labcorp
Classification: Uncertain significance for Neurofibromatosis, type 1. Last evaluated: 2023-12-11. Review status: criteria provided, single submitter. Criteria: Invitae Variant Classification Sherloc (09022015). Collection method: clinical testing. Allele origin: germline.
Comment: This sequence change replaces histidine, which is basic and polar, with glutamine, which is neutral and polar, at codon 623 of the NF1 protein (p.His623Gln). This variant is not present in population databases (gnomAD no frequency). This variant has not been reported in the literature in individuals affected with NF1-related conditions. ClinVar contains an entry for this variant (Variation ID: 1392515). Advanced modeling of protein sequence and biophysical properties (such as structural, functional, and spatial information, amino acid conservation, physicochemical variation, residue mobility, and thermodynamic stability) performed at Invitae indicates that this missense variant is not expected to disrupt NF1 protein function with a negative predictive value of 95%. In summary, the available evidence is currently insufficient to determine the role of this variant in disease. Therefore, it has been classified as a Variant of Uncertain Significance.